The following is an entry in ClinVar:

ClinVar aggregate classification (germline): Uncertain significance. Review status: criteria provided, multiple submitters, no conflicts (2 of 4 stars). 6 submissions from 6 submitters: Uncertain significance (4). 2 of the submissions do not count toward it. Last evaluated 2025-08-29.

Conditions:
Bardet-Biedl syndrome 13 (BBS13). Identifiers: Orphanet 110, MedGen C2673873, MONDO:0014441, OMIM 615990.
Meckel syndrome, type 1 (MKS1). Also called: MECKEL-GRUBER SYNDROME, TYPE 1. Identifiers: Orphanet 564, MedGen C3714506, MONDO:0009571, OMIM 249000.
Joubert syndrome 28 (JBTS28). Identifiers: MedGen C4310705, MONDO:0014928, OMIM 617121.
MKS1-related disorder. Also called: MKS1-related disorders; MKS1-related condition. Identifiers: MedGen CN239382.
Inborn genetic diseases. Identifiers: MedGen C0950123, MeSH D030342.
Meckel-Gruber syndrome. Also called: Dysencephalia splachnocystica; DYSENCEPHALIA SPLANCHNOCYSTICA; GRUBER SYNDROME. Identifiers: Orphanet 564, MedGen C0265215, MONDO:0018921.
Joubert syndrome. Also called: JOUBERT-BOLTSHAUSER SYNDROME; Familial aplasia of the vermis. Identifiers: Orphanet 475, MedGen C5979921, MONDO:0018772.

Allele frequency attached by ClinVar (database versions not stated): gnomAD exomes 0.00002; TOPMed below 0.00001; ExAC 0.00001; gnomAD 0.00001.
gnomAD v4.1: 35 of 1,614,016 alleles (0.0022%); highest among the groups gnomAD compares: Non-Finnish European, 0.0027%; no homozygotes.

Submissions (6):

Ambry Genetics
Classification: Uncertain significance for Inborn genetic diseases. Last evaluated: 2025-08-29. Review status: criteria provided, single submitter. Criteria: Ambry Variant Classification Scheme 2023. Collection method: clinical testing. Allele origin: germline.

Labcorp Genetics (formerly Invitae), Labcorp
Classification: Uncertain significance for Joubert syndrome; Meckel-Gruber syndrome. Last evaluated: 2024-12-09. Review status: criteria provided, single submitter. Criteria: Invitae Variant Classification Sherloc (09022015). Collection method: clinical testing. Allele origin: germline.
Comment: This sequence change replaces proline, which is neutral and non-polar, with threonine, which is neutral and polar, at codon 212 of the MKS1 protein (p.Pro212Thr). This variant is present in population databases (rs747659750, gnomAD 0.004%). This variant has not been reported in the literature in individuals affected with MKS1-related conditions. ClinVar contains an entry for this variant (Variation ID: 949113). Invitae Evidence Modeling of protein sequence and biophysical properties (such as structural, functional, and spatial information, amino acid conservation, physicochemical variation, residue mobility, and thermodynamic stability) indicates that this missense variant is not expected to disrupt MKS1 protein function with a negative predictive value of 80%. In summary, the available evidence is currently insufficient to determine the role of this variant in disease. Therefore, it has been classified as a Variant of Uncertain Significance.

GeneDx
Classification: Uncertain significance. Last evaluated: 2024-10-18. Review status: criteria provided, single submitter. Criteria: GeneDx Variant Classification Process June 2021. Collection method: clinical testing. Allele origin: germline. Affected: yes.
Comment: Not observed at significant frequency in large population cohorts (gnomAD); In silico analysis indicates that this missense variant does not alter protein structure/function; Has not been previously published as pathogenic or benign to our knowledge

Fulgent Genetics
Classification: Uncertain significance for Meckel syndrome, type 1; Bardet-Biedl syndrome 13; Joubert syndrome 28. Last evaluated: 2024-04-11. Review status: criteria provided, single submitter. Criteria: ACMG Guidelines, 2015. Collection method: clinical testing. Allele origin: germline.

PreventionGenetics, part of Exact Sciences
Classification: Uncertain significance for MKS1-related condition. Last evaluated: 2024-03-23. Review status: no assertion criteria provided. Collection method: clinical testing. Allele origin: germline. Not counted in ClinVar's aggregate classification.
Comment: The MKS1 c.634C>A variant is predicted to result in the amino acid substitution p.Pro212Thr. To our knowledge, this variant has not been reported in the literature. This variant is reported in 0.0044% of alleles in individuals of European (Non-Finnish) descent in gnomAD. At this time, the clinical significance of this variant is uncertain due to the absence of conclusive functional and genetic evidence.

Natera, Inc.
Classification: Uncertain significance for Meckel syndrome type 1. Last evaluated: 2020-01-17. Review status: no assertion criteria provided. Collection method: clinical testing. Allele origin: germline. Not counted in ClinVar's aggregate classification.

NM_017777.4(MKS1):c.634C>A (p.Pro212Thr)

Gene: MKS1 (MKS transition zone complex subunit 1; minus strand). Cytogenetic location: 17q22.
Variant type: single nucleotide variant.
Coding change: c.634C>A on transcript NM_017777.4 (MANE Select); coding-DNA position 634, C replaced by A.
Protein change: p.Pro212Thr; replaces proline 212 with threonine.
Molecular consequence: missense variant.
Genome position (GRCh38, 1-based): chr17:58,214,269, G>T on the plus strand (C>A on the coding strand, the complement: MKS1 is on the minus strand). VCF-style: chr17-58214269-G-T. GRCh37 (hg19) VCF-style: chr17-56291630-G-T.
Other names: c.25C>A, p.Pro9Thr (NM_001321268.2); c.634C>A, p.Pro212Thr (NM_001321269.2, NM_001330397.2); short protein forms P212T, P9T.
Identifiers: ClinVar variation 949113 (VCV000949113.9), dbSNP rs747659750, ClinGen allele CA8669462.